The following is an entry in ClinVar:

NM_001606.5(ABCA2):c.3236G>A (p.Arg1079Gln)

Gene: ABCA2 (ATP binding cassette subfamily A member 2; minus strand). Cytogenetic location: 9q34.3.
Variant type: single nucleotide variant.
Coding change: c.3236G>A on transcript NM_001606.5 (MANE Select); coding-DNA position 3236, G replaced by A.
Protein change: p.Arg1079Gln; replaces arginine 1079 with glutamine.
Molecular consequence: missense variant.
Genome position (GRCh38, 1-based): chr9:137,016,043, C>T on the plus strand (G>A on the coding strand, the complement: ABCA2 is on the minus strand). VCF-style: chr9-137016043-C-T. GRCh37 (hg19) VCF-style: chr9-139910495-C-T.
Other names: c.3233G>A, p.Arg1078Gln (NM_001411042.1); c.3326G>A, p.Arg1109Gln (NM_212533.3); short protein forms R1078Q, R1079Q, R1109Q.
Identifiers: ClinVar variation 2429607 (VCV002429607.2), dbSNP rs953464622, ClinGen allele CA201706172.

ClinVar aggregate classification (germline): Uncertain significance (1 of 4 stars; one submission).

Allele frequency attached by ClinVar (database versions not stated): gnomAD exomes 0.00002; TOPMed 0.00006.
gnomAD v4.1: 29 of 1,612,492 alleles (0.0018%); highest among the groups gnomAD compares: African/African-American, 0.0053%; no homozygotes.

Submission:

GeneDx
Classification: Uncertain significance. Last evaluated: 2026-09-18. Review status: criteria provided, single submitter. Criteria: GeneDx Variant Classification Process June 2021. Collection method: clinical testing. Allele origin: germline.
Comment: In silico analysis suggests that this missense variant does not alter protein structure/function; Has not been previously published as pathogenic or benign to our knowledge